The following is an entry in ClinVar:

NM_001374736.1(DST):c.16770+8T>A

Gene: DST (dystonin; minus strand). Cytogenetic location: 6p12.1.
Variant type: single nucleotide variant.
Coding change: c.16770+8T>A on transcript NM_001374736.1 (MANE Select); 8 bases into the intron after coding-DNA position 16770, T replaced by A.
Molecular consequence: intron variant.
Genome position (GRCh38, 1-based): chr6:56,536,771, A>T on the plus strand (T>A on the coding strand, the complement: DST is on the minus strand). VCF-style: chr6-56536771-A-T. GRCh37 (hg19) VCF-style: chr6-56401569-A-T.
Other names: c.10413+8T>A (NM_001144769.5); c.16770+8T>A (NM_001374722.1); c.16797+8T>A (NM_001374734.1); c.9999+8T>A (NM_001144770.2); c.9879+8T>A (NM_001374730.1, NM_001386100.1, NM_183380.4); c.16137+8T>A (NM_001374729.1); c.8901+8T>A (NM_015548.5).
Identifiers: ClinVar variation 2123989 (VCV002123989.4), dbSNP rs2534981956, ClinGen allele CA2580075560.
Genomic context (GRCh38, chr6:56,536,771, plus strand): 5'-TCATGGTCACCACAAATGCTCATGAATAATAATCAGCAAAATAGCAATGAAGGGGGTGAG[A>T]AAATTACCTTCTTATTGAGAGTCTTCCACCGTGCATTGACATCATCCAGGTCATGCTCCA-3'

ClinVar aggregate classification (germline): Uncertain significance (1 of 4 stars; one submission).

Conditions:
Epidermolysis bullosa simplex 3, localized or generalized intermediate, with BP230 deficiency (EBS3). Also called: Epidermolysis bullosa simplex, autosomal recessive 2; Epidermolysis bullosa simplex due to BP230 deficiency. Identifiers: Orphanet 412181, MedGen C3809470, MONDO:0014180, OMIM 615425.
Hereditary sensory and autonomic neuropathy type 6. Also called: Neuropathy, hereditary sensory and autonomic, type VI; HSAN VI. Identifiers: Orphanet 314381, MedGen C3539003, MONDO:0013839, OMIM 614653.

Allele frequency attached by ClinVar (database versions not stated): gnomAD exomes below 0.00001.
gnomAD v4.1: 2 of 1,526,224 alleles (0.00013%); highest among the groups gnomAD compares: Non-Finnish European, 0.00018%; no homozygotes.

Submission:

Labcorp Genetics (formerly Invitae), Labcorp
Classification: Uncertain significance for Epidermolysis bullosa simplex 3, localized or generalized intermediate, with BP230 deficiency; Hereditary sensory and autonomic neuropathy type 6. Last evaluated: 2022-04-10. Review status: criteria provided, single submitter. Criteria: Invitae Variant Classification Sherloc (09022015). Collection method: clinical testing. Allele origin: germline.
Comment: Experimental studies and prediction algorithms are not available or were not evaluated, and the effect of this variant on mRNA splicing is currently unknown. The DST gene has multiple clinically relevant transcripts. This variant occurs in alternate transcript NM_015548.4, and corresponds to NM_001723.5:c.*78746T>A in the primary transcript. This sequence change falls in intron 43 of the DST gene. It does not directly change the encoded amino acid sequence of the DST protein. This variant is not present in population databases (gnomAD no frequency). This variant has not been reported in the literature in individuals affected with DST-related conditions. In summary, the available evidence is currently insufficient to determine the role of this variant in disease. Therefore, it has been classified as a Variant of Uncertain Significance.